The following is an entry in ClinVar:

ClinVar aggregate classification (germline): Uncertain significance. Review status: criteria provided, multiple submitters, no conflicts (2 of 4 stars). 2 submissions from 2 submitters: Uncertain significance (2). Last evaluated 2023-09-04.

Conditions:
Dyskeratosis congenita, autosomal dominant 6 (DKCA6). Identifiers: Orphanet 3322, MedGen C4225284, MONDO:0014690, OMIM 616553.
Inborn genetic diseases. Identifiers: MedGen C0950123, MeSH D030342.

Allele frequency attached by ClinVar (database versions not stated): gnomAD exomes below 0.00001.

Submissions (2):

Ambry Genetics
Classification: Uncertain significance for Inborn genetic diseases. Last evaluated: 2023-09-04. Review status: criteria provided, single submitter. Criteria: Ambry Variant Classification Scheme 2023. Collection method: clinical testing. Allele origin: germline.
Comment: The p.P423S variant (also known as c.1267C>T), located in coding exon 10 of the ACD gene, results from a C to T substitution at nucleotide position 1267. The proline at codon 423 is replaced by serine, an amino acid with similar properties. This amino acid position is conserved. In addition, this alteration is predicted to be tolerated by in silico analysis. Since supporting evidence is limited at this time, the clinical significance of this alteration remains unclear.

Labcorp Genetics (formerly Invitae), Labcorp
Classification: Uncertain significance for Dyskeratosis congenita, autosomal dominant 6. Last evaluated: 2023-06-14. Review status: criteria provided, single submitter. Criteria: Invitae Variant Classification Sherloc (09022015). Collection method: clinical testing. Allele origin: germline.
Comment: This sequence change replaces proline, which is neutral and non-polar, with serine, which is neutral and polar, at codon 423 of the ACD protein (p.Pro423Ser). This variant is not present in population databases (gnomAD no frequency). In summary, the available evidence is currently insufficient to determine the role of this variant in disease. Therefore, it has been classified as a Variant of Uncertain Significance. Advanced modeling of protein sequence and biophysical properties (such as structural, functional, and spatial information, amino acid conservation, physicochemical variation, residue mobility, and thermodynamic stability) performed at Invitae indicates that this missense variant is not expected to disrupt ACD protein function. This variant has not been reported in the literature in individuals affected with ACD-related conditions.

NM_001082486.2(ACD):c.1009C>T (p.Pro337Ser)

Gene: ACD (ACD shelterin complex subunit and telomerase recruitment factor; minus strand). Cytogenetic location: 16q22.1.
Variant type: single nucleotide variant.
Coding change: c.1009C>T on transcript NM_001082486.2 (MANE Select); coding-DNA position 1009, C replaced by T.
Protein change: p.Pro337Ser; replaces proline 337 with serine.
Molecular consequence: missense variant.
Genome position (GRCh38, 1-based): chr16:67,658,183, G>A on the plus strand (C>T on the coding strand, the complement: ACD is on the minus strand). VCF-style: chr16-67658183-G-A. GRCh37 (hg19) VCF-style: chr16-67692086-G-A.
Other names: c.922C>T, p.Pro308Ser (NM_001410884.1); c.1000C>T, p.Pro334Ser (NM_022914.3); short protein forms P334S, P308S, P337S.
Identifiers: ClinVar variation 2624824 (VCV002624824.5), dbSNP rs2543599039, ClinGen allele CA396352506.